The following is an entry in ClinVar:

NM_002485.5(NBN):c.966_967del (p.Tyr322_Cys323delinsTer)

Gene: NBN (nibrin; minus strand). Cytogenetic location: 8q21.3.
Variant type: Deletion.
Coding change: c.966_967del on transcript NM_002485.5 (MANE Select); coding-DNA positions 966 to 967, 2 bases deleted (CT; older notation c.966_967delCT).
Protein change: p.Tyr322_Cys323delinsTer.
Molecular consequence: nonsense.
Genome position (GRCh38, 1-based): chr8:89,964,437-89,964,438, AG deleted on the plus strand (CT on the coding strand, the reverse complement: NBN is on the minus strand). VCF-style (leftmost placement, unchanged base first): chr8-89964436-CAG-C. GRCh37 (hg19) VCF-style: chr8-90976664-CAG-C.
Other names: c.720_721del, p.Tyr240_Cys241delinsTer (NM_001024688.3).
Identifiers: ClinVar variation 947234 (VCV000947234.8), dbSNP rs1811144443, ClinGen allele CA1139660642.

ClinVar aggregate classification (germline): Pathogenic/Likely pathogenic. Review status: criteria provided, multiple submitters, no conflicts (2 of 4 stars). 2 submissions from 2 submitters: Pathogenic (1); Likely pathogenic (1). Last evaluated 2021-10-19.

Conditions:
Microcephaly, normal intelligence and immunodeficiency (NBS). Also called: Nijmegen breakage syndrome; IMMUNODEFICIENCY, MICROCEPHALY, AND CHROMOSOMAL INSTABILITY; Immunodeficiency, microcephaly with normal intelligence; Microcephaly with normal intelligence immunodeficiency and lymphoreticular malignancies; Nonsyndromal microcephaly autosomal recessive with normal intelligence; Seemanova syndrome 2. Identifiers: Orphanet 647, MedGen C0398791, MONDO:0009623, OMIM 251260.
Aplastic anemia. Identifiers: Orphanet 182040, Orphanet 88, MedGen C0002874, MONDO:0015909, OMIM 609135, HP:0001915.

Submissions (2):

Baylor Genetics
Classification: Likely pathogenic for Aplastic anemia. Last evaluated: 2021-10-19. Review status: criteria provided, single submitter. Criteria: ACMG Guidelines, 2015. Collection method: clinical testing. Allele origin: unknown.

Labcorp Genetics (formerly Invitae), Labcorp
Classification: Pathogenic for Microcephaly, normal intelligence and immunodeficiency. Last evaluated: 2021-10-19. Review status: criteria provided, single submitter. Criteria: Invitae Variant Classification Sherloc (09022015). Collection method: clinical testing. Allele origin: germline.
Comment: For these reasons, this variant has been classified as Pathogenic. ClinVar contains an entry for this variant (Variation ID: 947234). This variant has not been reported in the literature in individuals affected with NBN-related conditions. This variant is not present in population databases (gnomAD no frequency). This sequence change creates a premature translational stop signal (p.Tyr322*) in the NBN gene. It is expected to result in an absent or disrupted protein product. Loss-of-function variants in NBN are known to be pathogenic (PMID: 9590180, 16415040).

Literature cited by the submitters: PubMed 9590180 (cited by Labcorp Genetics (formerly Invitae), Labcorp); PubMed 16415040 (cited by Labcorp Genetics (formerly Invitae), Labcorp).